The following is an entry in ClinVar:

ClinVar aggregate classification (germline): Likely benign. Review status: criteria provided, multiple submitters, no conflicts (2 of 4 stars). 2 submissions from 2 submitters: Likely benign (2). Last evaluated 2022-03-06.

Allele frequency attached by ClinVar (database versions not stated): gnomAD exomes below 0.00001.
gnomAD v4.1: 1 of 1,613,550 alleles (0.000062%); highest among the groups gnomAD compares: Middle Eastern, 0.017%; no homozygotes.

Submissions (2):

Labcorp Genetics (formerly Invitae), Labcorp
Classification: Likely benign. Last evaluated: 2022-03-06. Review status: criteria provided, single submitter. Criteria: Invitae Variant Classification Sherloc (09022015). Collection method: clinical testing. Allele origin: germline.

Laboratory for Molecular Medicine, Mass General Brigham Personalized Medicine
Classification: Likely benign. Last evaluated: 2015-03-04. Review status: criteria provided, single submitter. Criteria: LMM Criteria. Collection method: clinical testing. Allele origin: germline. Observed: 1 variant allele.
Comment: p.Asp2262Asp in exon 49 of CDH23: This variant is not expected to have clinical significance because it does not alter an amino acid residue and is not located within the splice consensus sequence.

NM_022124.6(CDH23):c.6786C>T (p.Asp2262=)

Gene: CDH23 (cadherin related 23; plus strand). Cytogenetic location: 10q22.1.
Variant type: single nucleotide variant.
Coding change: c.6786C>T on transcript NM_022124.6 (MANE Select); coding-DNA position 6786, C replaced by T.
Protein change: p.Asp2262=; no amino-acid change (aspartic acid 2262 retained).
Molecular consequence: synonymous variant.
Genome position (GRCh38, 1-based): chr10:71,797,177, C>T. VCF-style: chr10-71797177-C-T. GRCh37 (hg19) VCF-style: chr10-73556934-C-T.
Other names: c.66C>T, p.Asp22= (NM_001171933.1, NM_001171934.1).
Identifiers: ClinVar variation 227235 (VCV000227235.8), dbSNP rs876657440, ClinGen allele CA10576815.